The following is an entry in ClinVar:

NM_001040113.2(MYH11):c.5812C>T (p.Pro1938Ser)

Genes: MYH11 (myosin heavy chain 11; minus strand), NDE1 (nudE neurodevelopment protein 1; plus strand). Cytogenetic location: 16p13.11.
Variant type: single nucleotide variant.
Coding change: c.5812C>T on transcript NM_001040113.2 (MANE Plus Clinical); coding-DNA position 5812, C replaced by T.
Protein change: p.Pro1938Ser; replaces proline 1938 with serine.
Molecular consequence: missense variant. On other transcripts: intron variant (4).
Genome position (GRCh38, 1-based): chr16:15,708,837, G>A on the plus strand (C>T on the coding strand, the complement: MYH11 is on the minus strand). VCF-style: chr16-15708837-G-A. GRCh37 (hg19) VCF-style: chr16-15802694-G-A.
Other names: c.5791C>T, p.Pro1931Ser (NM_022844.3); c.947+11977G>A (NM_001143979.2, NM_017668.3); c.5787-4714C>T (NM_002474.3); c.5808-4714C>T (NM_001040114.2); short protein forms P1931S, P1938S.
Identifiers: ClinVar variation 923121 (VCV000923121.6), dbSNP rs2039614500, ClinGen allele CA394844722.

ClinVar aggregate classification (germline): Uncertain significance. Review status: criteria provided, multiple submitters, no conflicts (2 of 4 stars). 2 submissions from 2 submitters: Uncertain significance (2). Last evaluated 2024-07-16.

Conditions:
Familial thoracic aortic aneurysm and aortic dissection (TAAD). Also called: Thoracic aortic aneurysms and dissections. Identifiers: Orphanet 91387, MedGen C4707243, MONDO:0019625.
Aortic aneurysm, familial thoracic 4 (AAT4). Also called: AORTIC ANEURYSM/AORTIC DISSECTION AND PATENT DUCTUS ARTERIOSUS. Identifiers: MedGen C1851504, MONDO:0007568, OMIM 132900.

gnomAD v4.1: 1 of 1,610,010 alleles (0.000062%); highest among the groups gnomAD compares: Non-Finnish European, 0.000085%; no homozygotes.

Submissions (2):

Labcorp Genetics (formerly Invitae), Labcorp
Classification: Uncertain significance for Aortic aneurysm, familial thoracic 4. Last evaluated: 2024-07-16. Review status: criteria provided, single submitter. Criteria: Invitae Variant Classification Sherloc (09022015). Collection method: clinical testing. Allele origin: germline.
Comment: This sequence change replaces proline, which is neutral and non-polar, with serine, which is neutral and polar, at codon 1938 of the MYH11 protein (p.Pro1938Ser). This variant is not present in population databases (gnomAD no frequency). This variant has not been reported in the literature in individuals affected with MYH11-related conditions. ClinVar contains an entry for this variant (Variation ID: 923121). An algorithm developed to predict the effect of missense changes on protein structure and function (PolyPhen-2) suggests that this variant¬†is likely to be tolerated. In summary, the available evidence is currently insufficient to determine the role of this variant in disease. Therefore, it has been classified as a Variant of Uncertain Significance.

Color Diagnostics, LLC DBA Color Health
Classification: Uncertain significance for Familial thoracic aortic aneurysm and aortic dissection. Last evaluated: 2023-12-04. Review status: criteria provided, single submitter. Criteria: ACMG Guidelines, 2015. Collection method: clinical testing. Allele origin: germline.
Comment: Variant of Uncertain Significance due to insufficient evidence: This missense variant replaces proline with serine at codon 1938 of the MYH11 protein. Computational prediction tools and conservation analyses are inconclusive regarding the impact of this variant on the protein function. Computational splicing tools suggest that this variant may not impact RNA splicing. To our knowledge, functional assays have not been performed for this variant nor has this variant been reported in individuals affected with cardiovascular disorders in the literature. This variant has not been identified in the general population by the Genome Aggregation Database (gnomAD). Available evidence is insufficient to determine the role of this variant in disease conclusively.